The following is an entry in ClinVar:

NM_207391.3(RGS9BP):c.67C>A (p.Leu23Met)

Gene: RGS9BP (regulator of G protein signaling 9 binding protein; plus strand). Cytogenetic location: 19q13.11.
Variant type: single nucleotide variant.
Coding change: c.67C>A on transcript NM_207391.3 (MANE Select); coding-DNA position 67, C replaced by A.
Protein change: p.Leu23Met; replaces leucine 23 with methionine.
Molecular consequence: missense variant.
Genome position (GRCh38, 1-based): chr19:32,676,330, C>A. VCF-style: chr19-32676330-C-A. GRCh37 (hg19) VCF-style: chr19-33167236-C-A.
Other names: short protein forms L23M.
Identifiers: ClinVar variation 961522 (VCV000961522.8), dbSNP rs756711892, ClinGen allele CA9357494.

ClinVar aggregate classification (germline): Uncertain significance (1 of 4 stars; one submission).

Allele frequency attached by ClinVar (database versions not stated): gnomAD 0.00005 and 0.00006; TOPMed 0.00006; gnomAD exomes 0.00001; ExAC 0.00002.
gnomAD v4.1: 15 of 1,611,068 alleles (0.00093%); highest among the groups gnomAD compares: African/African-American, 0.019%; no homozygotes.

Submission:

Labcorp Genetics (formerly Invitae), Labcorp
Classification: Uncertain significance. Last evaluated: 2022-11-08. Review status: criteria provided, single submitter. Criteria: Invitae Variant Classification Sherloc (09022015). Collection method: clinical testing. Allele origin: germline.
Comment: In summary, the available evidence is currently insufficient to determine the role of this variant in disease. Therefore, it has been classified as a Variant of Uncertain Significance. Algorithms developed to predict the effect of missense changes on protein structure and function output the following: SIFT: "Tolerated"; PolyPhen-2: "Probably Damaging"; Align-GVGD: "Class C0". The methionine amino acid residue is found in multiple mammalian species, which suggests that this missense change does not adversely affect protein function. ClinVar contains an entry for this variant (Variation ID: 961522). This variant has not been reported in the literature in individuals affected with RGS9BP-related conditions. The frequency data for this variant in the population databases is considered unreliable, as metrics indicate poor data quality at this position in the gnomAD database. This sequence change replaces leucine, which is neutral and non-polar, with methionine, which is neutral and non-polar, at codon 23 of the RGS9BP protein (p.Leu23Met).